The following is an entry in ClinVar:

ClinVar aggregate classification (germline): Uncertain significance (1 of 4 stars; one submission).

Submission:

CeGaT Center for Human Genetics Tuebingen
Classification: Uncertain significance. Last evaluated: 2025-11-01. Review status: criteria provided, single submitter. Criteria: CeGaT Center For Human Genetics Tuebingen Variant Classification Criteria Version 2. Collection method: clinical testing. Allele origin: germline. Affected: yes. Observed: 1 variant allele.
Comment: SYNE1: PM2, BP4

NM_182961.4(SYNE1):c.4888G>A (p.Ala1630Thr)

Gene: SYNE1 (spectrin repeat containing nuclear envelope protein 1; minus strand). Cytogenetic location: 6q25.2.
Variant type: single nucleotide variant.
Coding change: c.4888G>A on transcript NM_182961.4 (MANE Select); coding-DNA position 4888, G replaced by A.
Protein change: p.Ala1630Thr; replaces alanine 1630 with threonine.
Molecular consequence: missense variant.
Genome position (GRCh38, 1-based): chr6:152,428,293, C>T on the plus strand (G>A on the coding strand, the complement: SYNE1 is on the minus strand). VCF-style: chr6-152428293-C-T. GRCh37 (hg19) VCF-style: chr6-152749428-C-T.
Other names: c.4909G>A, p.Ala1637Thr (NM_033071.5); short protein forms A1630T, A1637T.
Identifiers: ClinVar variation 4535304 (VCV004535304.6).